The following is an entry in ClinVar:

NM_000501.4(ELN):c.1316-12G>A

Gene: ELN (elastin; plus strand). Cytogenetic location: 7q11.23.
Variant type: single nucleotide variant.
Coding change: c.1316-12G>A on transcript NM_000501.4 (MANE Select); 12 bases into the intron before coding-DNA position 1316, G replaced by A.
Molecular consequence: intron variant.
Genome position (GRCh38, 1-based): chr7:74,056,660, G>A. VCF-style: chr7-74056660-G-A. GRCh37 (hg19) VCF-style: chr7-73470990-G-A.
Other names: c.1331-12G>A (NM_001081753.3, NM_001081754.3); c.1316-12G>A (NM_001278939.2, NM_001278915.2, NM_001278912.2 and 1 more transcripts); c.1274-12G>A (NM_001278916.2); c.1130-12G>A (NM_001278913.2); c.1301-12G>A (NM_001278914.2); c.1286-12G>A (NM_001278917.2, NM_001081752.3); c.1106-12G>A (NM_001278918.2).
Identifiers: ClinVar variation 387593 (VCV000387593.8), dbSNP rs782357759, ClinGen allele CA4292942.
Genomic context (GRCh38, chr7:74,056,660, plus strand): 5'-AGCTTTAAACACGGCTCGGAGGAGACCCAGGCACGGCTTCTGAGGGTCTCTTTCTTTCTC[G>A]TTTCCTTGTAGCCGAAGCTCAGGCAGCAGCTGCCGCCAAGGCTGCCAAGTACGGTAAGTG-3'

ClinVar aggregate classification (germline): Likely benign. Review status: criteria provided, multiple submitters, no conflicts (2 of 4 stars). 2 submissions from 2 submitters: Likely benign (2). Last evaluated 2021-11-27.

Conditions:
Supravalvar aortic stenosis (SVAS). Also called: Supravalvar aortic stenosis, Eisenberg type. Identifiers: Orphanet 3193, MedGen C0003499, MONDO:0008504, OMIM 185500, HP:0004381.

Allele frequency attached by ClinVar (database versions not stated): gnomAD 0.00001; ExAC 0.00002; gnomAD exomes 0.00002.
gnomAD v4.1: 12 of 1,613,678 alleles (0.00074%); highest among the groups gnomAD compares: South Asian, 0.0044%; 1 homozygote.

Submissions (2):

Labcorp Genetics (formerly Invitae), Labcorp
Classification: Likely benign for Supravalvar aortic stenosis. Last evaluated: 2021-11-27. Review status: criteria provided, single submitter. Criteria: Invitae Variant Classification Sherloc (09022015). Collection method: clinical testing. Allele origin: germline.

GeneDx
Classification: Likely benign. Last evaluated: 2017-07-13. Review status: criteria provided, single submitter. Criteria: GeneDx Variant Classification (06012015). Collection method: clinical testing. Allele origin: germline. Affected: yes.
Comment: This variant is considered likely benign or benign based on one or more of the following criteria: it is a conservative change, it occurs at a poorly conserved position in the protein, it is predicted to be benign by multiple in silico algorithms, and/or has population frequency not consistent with disease.